The following is an entry in ClinVar:

NM_138691.3(TMC1):c.867T>G (p.Phe289Leu)

Gene: TMC1 (transmembrane channel like 1; plus strand). Cytogenetic location: 9q21.13.
Variant type: single nucleotide variant.
Coding change: c.867T>G on transcript NM_138691.3 (MANE Select); coding-DNA position 867, T replaced by G.
Protein change: p.Phe289Leu; replaces phenylalanine 289 with leucine.
Molecular consequence: missense variant.
Genome position (GRCh38, 1-based): chr9:72,772,538, T>G. VCF-style: chr9-72772538-T-G. GRCh37 (hg19) VCF-style: chr9-75387454-T-G.
Other names: short protein forms F289L.
Identifiers: ClinVar variation 4680934 (VCV004680934.1).

ClinVar aggregate classification (germline): Uncertain significance (1 of 4 stars; one submission).

Submission:

GeneDx
Classification: Uncertain significance. Last evaluated: 2025-07-02. Review status: criteria provided, single submitter. Criteria: GeneDx Variant Classification Process June 2021. Collection method: clinical testing. Allele origin: germline. Affected: yes.
Comment: Not observed at significant frequency in large population cohorts (gnomAD); In silico analysis suggests that this missense variant does not alter protein structure/function; Has not been previously published as pathogenic or benign to our knowledge